The following is an entry in ClinVar:

NC_000007.13:g.(?_65556973)_(65557899_?)del

Gene: ASL (argininosuccinate lyase; plus strand). Cytogenetic location: 7q11.21.
Variant type: Deletion.
Identifiers: ClinVar variation 3245719 (VCV003245719.1).

ClinVar aggregate classification (germline): Pathogenic (1 of 4 stars; one submission).

Conditions:
Argininosuccinate lyase deficiency. Also called: ARGININOSUCCINIC ACID LYASE DEFICIENCY; ASL DEFICIENCY; Argininosuccinic aciduria. Identifiers: Orphanet 23, MedGen C0268547, MONDO:0008815, OMIM 207900, HP:0025630.

Submission:

Labcorp Genetics (formerly Invitae), Labcorp
Classification: Pathogenic for Argininosuccinate lyase deficiency. Last evaluated: 2023-10-11. Review status: criteria provided, single submitter. Criteria: Invitae Variant Classification Sherloc (09022015). Collection method: clinical testing. Allele origin: unknown.
Comment: This variant is a gross deletion of the genomic region encompassing exon(s) 15-17 of the ASL gene, which includes the termination codon. This deletion extends beyond the assayed region for this gene and therefore may encompass additional genes. While this deletion is not anticipated to lead to nonsense mediated decay, it is expected to alter mRNA translation or result in a truncated protein product. A similar copy number variant has been observed in individual(s) with argininosuccinate lyase deficiency (Invitae). This variant disrupts the Arg379, p.Arg385 and p.Arg456 amino acid residue in ASL. Other variant(s) that disrupt this residue have been determined to be pathogenic (PMID: 12384776, 12408190, 18616627, 19703900, 20236848, 24166829, 26843370, 27515243). This suggests that this residue is clinically significant, and that variants that disrupt this residue are likely to be disease-causing. For these reasons, this variant has been classified as Pathogenic.

Literature cited by the submitters: PubMed 12384776; PubMed 12408190; PubMed 18616627; PubMed 19703900; PubMed 20236848; PubMed 24166829; PubMed 26843370; PubMed 27515243.